The following is an entry in ClinVar:

NM_001370259.2(MEN1):c.758del (p.Ser253fs)

Gene: MEN1 (menin 1; minus strand). Cytogenetic location: 11q13.1.
Variant type: Deletion.
Coding change: c.758del on transcript NM_001370259.2 (MANE Select); coding-DNA position 758, one base deleted (C; older notation c.758delC).
Protein change: p.Ser253fs; shifts the reading frame from serine 253.
Molecular consequence: frameshift variant.
Genome position (GRCh38, 1-based): chr11:64,807,577, G deleted on the plus strand (C on the coding strand, the reverse complement: MEN1 is on the minus strand). VCF-style (leftmost placement, unchanged base first): chr11-64807576-CG-C. GRCh37 (hg19) VCF-style: chr11-64575048-CG-C.
Other names: c.758delC (NM_130799.2); c.773del, p.Ser258fs (NM_000244.4, NM_130800.3, NM_130801.3 and 3 more transcripts); c.758del, p.Ser253fs (NM_001370251.2, NM_001370260.2, NM_001370261.2 and 1 more transcripts); c.653del, p.Ser218fs (NM_001370262.2, NM_001370263.2); short protein forms S218fs, S253fs, S258fs.
Identifiers: ClinVar variation 646514 (VCV000646514.8), dbSNP rs1592648765, ClinGen allele CA915948182.
Genomic context (GRCh38, chr11:64,807,576, plus strand): 5'-CCTAGCCCAGTCCTGCCCCATTGGCTCAGCCCTCACCTGCTGCAGCTGCAGAAGCTCCAG[CG>C]AGTCGGTGTGCAGGTCAATGGAAGGGTTGATGGCACACACCATGAACGCCACCTCCATCT-3'

ClinVar aggregate classification (germline): Pathogenic (1 of 4 stars; one submission).

Conditions:
Multiple endocrine neoplasia, type 1 (MEN1). Also called: MEA I; MEN I; WERMER SYNDROME; Endocrine adenomatosis multiple; MEN 1. Identifiers: Orphanet 652, MedGen C0025267, MeSH D018761, MONDO:0007540, OMIM 131100.

Submission:

Labcorp Genetics (formerly Invitae), Labcorp
Classification: Pathogenic for Multiple endocrine neoplasia, type 1. Last evaluated: 2022-11-28. Review status: criteria provided, single submitter. Criteria: Invitae Variant Classification Sherloc (09022015). Collection method: clinical testing. Allele origin: germline.
Comment: This sequence change creates a premature translational stop signal (p.Ser253Cysfs*28) in the MEN1 gene. It is expected to result in an absent or disrupted protein product. Loss-of-function variants in MEN1 are known to be pathogenic (PMID: 12112656, 17853334). This variant is not present in population databases (gnomAD no frequency). This premature translational stop signal has been observed in individual(s) with MEN1-related disease (PMID: 29497973; Invitae). This variant is also known as 868delC. ClinVar contains an entry for this variant (Variation ID: 646514). For these reasons, this variant has been classified as Pathogenic.

Literature cited by the submitters: PubMed 12112656; PubMed 17853334; PubMed 29497973.